The following is an entry in ClinVar:

NM_006904.7(PRKDC):c.1097A>C (p.Tyr366Ser)

Gene: PRKDC (protein kinase, DNA-activated, catalytic subunit; minus strand). Cytogenetic location: 8q11.21.
Variant type: single nucleotide variant.
Coding change: c.1097A>C on transcript NM_006904.7 (MANE Select); coding-DNA position 1097, A replaced by C.
Protein change: p.Tyr366Ser; replaces tyrosine 366 with serine.
Molecular consequence: missense variant.
Genome position (GRCh38, 1-based): chr8:47,939,567, T>G on the plus strand (A>C on the coding strand, the complement: PRKDC is on the minus strand). VCF-style: chr8-47939567-T-G. GRCh37 (hg19) VCF-style: chr8-48852127-T-G.
Other names: c.1097A>C, p.Tyr366Ser (NM_001081640.2); short protein forms Y366S.
Identifiers: ClinVar variation 1790859 (VCV001790859.2), dbSNP rs778978025, ClinGen allele CA371166576.

ClinVar aggregate classification (germline): Uncertain significance (1 of 4 stars; one submission).

Submission:

Ambry Genetics
Classification: Uncertain significance. Last evaluated: 2022-05-26. Review status: criteria provided, single submitter. Criteria: Ambry Variant Classification Scheme 2023. Collection method: clinical testing. Allele origin: germline.
Comment: The p.Y366S variant (also known as c.1097A>C), located in coding exon 11 of the PRKDC gene, results from an A to C substitution at nucleotide position 1097. The tyrosine at codon 366 is replaced by serine, an amino acid with dissimilar properties. This amino acid position is conserved. In addition, this alteration is predicted to be deleterious by in silico analysis. Since supporting evidence is limited at this time, the clinical significance of this alteration remains unclear.